The following is an entry in ClinVar:

NM_001369268.1(ACAN):c.6993C>A (p.Cys2331Ter)

Gene: ACAN (aggrecan; plus strand). Cytogenetic location: 15q26.1.
Variant type: single nucleotide variant.
Coding change: c.6993C>A on transcript NM_001369268.1 (MANE Select); coding-DNA position 6993, C replaced by A.
Protein change: p.Cys2331Ter; replaces cysteine 2331 with a stop codon.
Molecular consequence: nonsense. On other transcripts: intron variant (3).
Genome position (GRCh38, 1-based): chr15:88,868,262, C>A. VCF-style: chr15-88868262-C-A. GRCh37 (hg19) VCF-style: chr15-89411493-C-A.
Other names: c.6879C>A, p.Cys2293Ter (NM_001411097.1); c.6947-3120C>A (NM_013227.4); c.6833-3120C>A (NM_001411096.1, NM_001135.4); short protein forms C2293*, C2331*.
Identifiers: ClinVar variation 3235896 (VCV003235896.1), dbSNP rs986742379, ClinGen allele CA619497336.
Genomic context (GRCh38, chr15:88,868,262, plus strand): 5'-TTGGTTTCTTGCAGACATTGATGAGTGCCTCTCAAGCCCTTGTCTGAATGGAGCCACCTG[C>A]GTGGATGCCATCGACTCTTTCACATGCTTATGCCTTCCCAGCTACGAAGGGGACCTGTGT-3'

ClinVar aggregate classification (germline): Likely pathogenic (1 of 4 stars; one submission).

Conditions:
Spondyloepiphyseal dysplasia, Kimberley type. Identifiers: Orphanet 93283, MedGen C1842149, MONDO:0012019, OMIM 608361.
Short stature and advanced bone age, with or without early-onset osteoarthritis and/or osteochondritis dissecans (SSOAOD). Identifiers: Orphanet 251262, MedGen C3665488, MONDO:0100462, OMIM 165800.

gnomAD v4.1: 2 of 702,672 alleles (0.00028%); highest among the groups gnomAD compares: African/African-American, 0.0035%; no homozygotes.

Submission:

New York Genome Center
Classification: Likely pathogenic for Spondyloepiphyseal dysplasia, Kimberley type; Short stature and advanced bone age, with or without early-onset osteoarthritis and/or osteochondritis dissecans. Last evaluated: 2023-03-06. Review status: criteria provided, single submitter. Criteria: NYGC Assertion Criteria 2020. Collection method: clinical testing. Allele origin: inherited. Affected: yes. Observed: 1 heterozygote. Study: PrenatalSEQ.
Comment: The inherited heterozygous c.6993C>A p.(Cys2331Ter) stop-gain variant identified in the ACAN gene has not been reported in affected individuals in the literature or in the ClinVar database. The c.6993C>A variant is observed in 7 individuals (~0.0000203 minor allele frequency with 0 homozygote) in population databases which may include individuals with short stature (gnomAD v2.1.1 and v3.1.2, TOPMed Freeze 8), suggesting it is not a common benign variant in the populations represented in those databases. The c.6993C>A variant is located in exon 14 of the 19-exon MANE select transcript (NM_001369268.1) of this gene, is predicted to incorporate a premature termination codon [p.(Cys2331Ter)], and is expected to result in loss-of-function via nonsense mediated mRNA decay. Predicted loss-of-function variants in ACAN are known to be Pathogenic/Likely Pathogenic [PMID: 33606014, 28939912, 27870580]. Based on available evidence, this inherited heterozygous c.6993C>A p.(Cys2331Ter) stop-gain variant identified in the ACAN gene is classified as Likely Pathogenic.